The following is an entry in ClinVar:

NM_000059.4(BRCA2):c.517-4C>G

Gene: BRCA2 (BRCA2 DNA repair associated; plus strand). Cytogenetic location: 13q13.1.
Variant type: single nucleotide variant.
Coding change: c.517-4C>G on transcript NM_000059.4 (MANE Select); 4 bases into the intron before coding-DNA position 517, C replaced by G.
Molecular consequence: intron variant.
Genome position (GRCh38, 1-based): chr13:32,326,495, C>G. VCF-style: chr13-32326495-C-G. GRCh37 (hg19) VCF-style: chr13-32900632-C-G.
Other names: IVS6-4C/G; IVS6-4C>G.
Identifiers: ClinVar variation 51802 (VCV000051802.62), dbSNP rs81002804, ClinGen allele CA021589.

ClinVar aggregate classification (germline): Conflicting classifications of pathogenicity. Review status: criteria provided, conflicting classifications (1 of 4 stars). 22 submissions from 21 submitters: Uncertain significance (3); Benign (4); Likely benign (10). 5 of the submissions do not count toward it. Last evaluated 2026-03-04.

Conditions:
Inherited breast cancer and ovarian cancer.
Hereditary cancer-predisposing syndrome. Also called: Hereditary Cancer Syndrome; Tumor predisposition; Neoplastic Syndromes, Hereditary; Hereditary neoplastic syndrome. Identifiers: Orphanet 140162, MedGen C0027672, MeSH D009386, MONDO:0015356.
Hereditary breast ovarian cancer syndrome. Also called: Breast and ovarian cancer; BRCA1- and BRCA2-Associated Hereditary Breast and Ovarian Cancer; Hereditary breast and ovarian cancer; Hereditary breast and ovarian cancer syndrome (HBOC); Hereditary breast and ovarian cancer syndrome; Hereditary breast and/or ovarian cancer syndrome. Identifiers: Orphanet 145, MedGen C0677776, MeSH D061325, MONDO:0003582. Disease mechanism: loss of function.
Fanconi anemia complementation group D1. Also called: BRCA2-Related Fanconi Anemia. Identifiers: Orphanet 319462, MedGen C1838457, MONDO:0011584, OMIM 605724.
Breast-ovarian cancer, familial, susceptibility to, 2 (BROVCA2). Also called: BRCA2 Hereditary Breast and Ovarian Cancer. Identifiers: Orphanet 145, MedGen C2675520, MONDO:0012933, OMIM 612555. Disease mechanism: loss of function.
Malignant tumor of breast. Also called: Malignant breast neoplasm; Cancer breast. Identifiers: MedGen C0006142, MONDO:0007254. Disease mechanism: loss of function.

Allele frequency attached by ClinVar (database versions not stated): ExAC 0.00002; gnomAD exomes 0.00002; gnomAD 0.00008 and 0.00011; TOPMed 0.00009; 1000 Genomes Project below 0.00001.
gnomAD v4.1: 80 of 1,597,248 alleles (0.005%); highest among the groups gnomAD compares: African/African-American, 0.063%; no homozygotes.

Submissions (22):

Women's Health and Genetics/Laboratory Corporation of America, LabCorp
Classification: Likely benign. Last evaluated: 2026-03-04. Review status: criteria provided, single submitter. Criteria: LabCorp Variant Classification Summary - May 2015. Collection method: clinical testing. Allele origin: germline.
Comment: Variant summary: BRCA2 c.517-4C>G alters a nucleotide located at a position not widely known to affect splicing. Consensus agreement among computation tools predict no significant impact on normal splicing. However, these predictions have yet to be confirmed by functional studies. The variant allele was found at a frequency of 2.8e-05 in 251332 control chromosomes, predominantly at a frequency of 0.00037 within the African or African-American subpopulation in the gnomAD database. The available data on variant occurrences in the general population are insufficient to allow any conclusion about variant significance. c.517-4C>G has been reported in the literature in individuals affected with breast- and/or ovarian cancer (Pal_2015, Abulkhair_2018, Santonocito_2020), but was also found in controls (Wagner_1999). These report(s) do not provide unequivocal conclusions about association of the variant with Hereditary Breast And Ovarian Cancer Syndrome. To our knowledge, no experimental evidence demonstrating an impact on protein function has been reported.The following publications have been ascertained in the context of this evaluation (PMID: 9971877, 26287763, 30199306, 32438681, 33643918). ClinVar contains an entry for this variant (Variation ID: 51802). Based on the evidence outlined above, the variant was classified as likely benign.

Labcorp Genetics (formerly Invitae), Labcorp
Classification: Benign for Hereditary breast ovarian cancer syndrome. Last evaluated: 2026-02-01. Review status: criteria provided, single submitter. Criteria: Invitae Variant Classification Sherloc (09022015). Collection method: clinical testing. Allele origin: germline.

Center for Genomic Medicine, Rigshospitalet, Copenhagen University Hospital
Classification: Likely benign. Last evaluated: 2025-12-29. Review status: criteria provided, single submitter. Criteria: ACMG Guidelines, 2015. Collection method: clinical testing. Allele origin: germline.
Comment: Classification criteria: BS1, BP4

CeGaT Center for Human Genetics Tuebingen
Classification: Likely benign. Last evaluated: 2025-09-01. Review status: criteria provided, single submitter. Criteria: CeGaT Center For Human Genetics Tuebingen Variant Classification Criteria Version 2. Collection method: clinical testing. Allele origin: germline. Affected: yes. Observed: 1 variant allele.
Comment: BRCA2: BP4

Blueprint Genetics
Classification: Likely benign. Last evaluated: 2024-06-27. Review status: criteria provided, single submitter. Criteria: ACMG Guidelines, 2015. Collection method: clinical testing. Allele origin: germline.

Genomics and Molecular Medicine Service, East Genomic Laboratory Hub, NHS Genomic Medicine Service
Classification: Likely benign for Inherited breast cancer and ovarian cancer. Last evaluated: 2024-05-02. Review status: criteria provided, single submitter. Criteria: ACGS Best Practice Guidelines for Variant Classification in Rare Disease 2020. Collection method: clinical testing. Allele origin: germline. Affected: yes.
Comment: BS1_Strong,BP4

Institute for Biomarker Research, Medical Diagnostic Laboratories, L.L.C.
Classification: Likely benign for Hereditary breast ovarian cancer syndrome. Last evaluated: 2024-02-14. Review status: criteria provided, single submitter. Criteria: ACMG Guidelines, 2015. Collection method: clinical testing. Allele origin: germline.

Quest Diagnostics Nichols Institute San Juan Capistrano
Classification: Benign. Last evaluated: 2023-02-08. Review status: criteria provided, single submitter. Criteria: Quest Diagnostics criteria. Collection method: clinical testing. Allele origin: unknown.

National Health Laboratory Service, Universitas Academic Hospital and University of the Free State
Classification: Benign for Hereditary breast ovarian cancer syndrome. Last evaluated: 2022-04-19. Review status: criteria provided, single submitter. Criteria: ACMG Guidelines, 2015. Collection method: clinical testing. Allele origin: germline. Affected: yes. Observed: 80 variant alleles.

Sema4
Classification: Likely benign for Hereditary cancer-predisposing syndrome. Last evaluated: 2022-03-16. Review status: criteria provided, single submitter. Criteria: Sema4 Curation Guidelines. Collection method: curation. Allele origin: germline.

Baylor Genetics
Classification: Uncertain significance for Breast-ovarian cancer, familial, susceptibility to, 2. Last evaluated: 2021-06-04. Review status: criteria provided, single submitter. Criteria: ACMG Guidelines, 2015. Collection method: clinical testing. Allele origin: unknown. Affected: yes. Study: CSER-TexasKidsCanSeq.
Comment: This variant was determined to be of uncertain significance according to ACMG Guidelines, 2015 [PMID:25741868].

Mendelics
Classification: Likely benign for Breast-ovarian cancer, familial, susceptibility to, 2. Last evaluated: 2019-05-28. Review status: criteria provided, single submitter. Criteria: Mendelics Assertion Criteria 2017. Collection method: clinical testing. Allele origin: unknown.

Ambry Genetics
Classification: Likely benign for Hereditary cancer-predisposing syndrome. Last evaluated: 2018-06-27. Review status: criteria provided, single submitter. Criteria: Ambry Variant Classification Scheme 2023. Collection method: clinical testing. Allele origin: germline.

Illumina Laboratory Services, Illumina
Classification: Uncertain significance for Breast-ovarian cancer, familial, susceptibility to, 2. Last evaluated: 2017-04-27. Review status: criteria provided, single submitter. Criteria: ICSL Variant Classification Criteria 13 December 2019. Collection method: clinical testing. Allele origin: germline.

Illumina Laboratory Services, Illumina
Classification: Uncertain significance for Fanconi anemia complementation group D1. Last evaluated: 2017-04-27. Review status: criteria provided, single submitter. Criteria: ICSL Variant Classification Criteria 13 December 2019. Collection method: clinical testing. Allele origin: germline.

Color Diagnostics, LLC DBA Color Health
Classification: Likely benign for Hereditary cancer-predisposing syndrome. Last evaluated: 2015-08-11. Review status: criteria provided, single submitter. Criteria: ACMG Guidelines, 2015. Collection method: clinical testing. Allele origin: germline.

GeneDx
Classification: Benign. Last evaluated: 2014-04-07. Review status: criteria provided, single submitter. Criteria: GeneDx Variant Classification (06012015). Collection method: clinical testing. Allele origin: germline. Affected: yes.
Comment: This variant is considered likely benign or benign based on one or more of the following criteria: it is a conservative change, it occurs at a poorly conserved position in the protein, it is predicted to be benign by multiple in silico algorithms, and/or has population frequency not consistent with disease.

BRCAlab, Lund University
Classification: Uncertain significance for Breast-ovarian cancer, familial, susceptibility to, 2. Last evaluated: 2020-03-02. Review status: no assertion criteria provided. Collection method: clinical testing. Allele origin: germline. Affected: yes. Not counted in ClinVar's aggregate classification.

Counsyl
Classification: Likely benign for Breast-ovarian cancer, familial, susceptibility to, 2. Last evaluated: 2017-05-22. Review status: no assertion criteria provided. Collection method: clinical testing. Allele origin: unknown. Not counted in ClinVar's aggregate classification.

Sharing Clinical Reports Project (SCRP)
Classification: Benign for Breast-ovarian cancer, familial 2. Last evaluated: 2012-09-11. Review status: no assertion criteria provided. Collection method: clinical testing. Allele origin: germline. Not counted in ClinVar's aggregate classification.

Breast Cancer Information Core (BIC) (BRCA2)
Classification: Uncertain significance for Breast-ovarian cancer, familial 2. Last evaluated: 2004-02-20. Review status: no assertion criteria provided. Collection method: clinical testing. Allele origin: germline. Affected: yes. Observed: 2 variant alleles. Not counted in ClinVar's aggregate classification.

Department of Pathology and Laboratory Medicine, Sinai Health System
Classification: Likely benign for Malignant tumor of breast. Review status: no assertion criteria provided. Collection method: clinical testing. Allele origin: unknown. Affected: yes. Study: The Canadian Open Genetics Repository (COGR). Not counted in ClinVar's aggregate classification.
Comment: The BRCA2 c.517-4C>G variant was identified in 2 of 1554 proband chromosomes (frequency: 0.001) from individuals or families with breast or ovarian cancer and was present in 1 of 190 control chromosomes (frequency: 0.005) from healthy individuals (Abulkhair 2018, Pal 2015, Wagner 1999). The variant was also identified in dbSNP (ID: rs81002804) as "With other allele", ClinVar (classified as benign by Invitae, GeneDx and Sharing Clinical Reports Project (SCRP); as likely benign by Ambry Genetics and two other submitters; and as uncertain significance by three submitters), LOVD 3.0 and the BIC Database (2x with unknown clinical importance). The variant was not identified in UMD-LSDB database. It was identified in control databases in 10 of 277034 chromosomes at a frequency of 0.00004 (Genome Aggregation Database Feb 27, 2017). The variant was observed in the following populations: African in 9 of 24024 chromosomes (freq: 0.0004) and Other in 1 of 6460 chromosomes (freq: 0.0002), while the variant was not observed in the Latino, European, Ashkenazi Jewish, East Asian, Finnish, or South Asian populations. The c.517-4C>G variant is located in the 3' splice region but does not affect the invariant -1 and -2 positions or position -3 and -5 to -12, which are part of the splicing consensus sequence and sometimes affect splicing. In addition, in silico or computational prediction software programs (SpliceSiteFinder, MaxEntScan, NNSPLICE, GeneSplicer, HumanSpliceFinder) do not predict a difference in splicing. In summary, based on the above information, the clinical significance of this variant cannot be determined with certainty at this time although we would lean towards a more benign role for this variant. This variant is classified as likely benign.

Literature cited by the submitters: PubMed 9971877 (cited by 4 submitters); PubMed 26287763 (cited by 4 submitters); PubMed 30199306 (cited by 3 submitters); PubMed 32438681 (cited by 3 submitters); PubMed 33643918 (cited by 3 submitters); PubMed 26295337 (cited by Quest Diagnostics Nichols Institute San Juan Capistrano); DOI 10.3389/fgene.2022.834265 (cited by National Health Laboratory Service, Universitas Academic Hospital and University of the Free State).